The following is an entry in ClinVar:

NM_003628.6(PKP4):c.2338G>A (p.Asp780Asn)

Genes: PKP4 (plakophilin 4; plus strand), PKP4-AS1 (PKP4 antisense RNA 1; minus strand). Cytogenetic location: 2q24.1.
Variant type: single nucleotide variant.
Coding change: c.2338G>A on transcript NM_003628.6 (MANE Select); coding-DNA position 2338, G replaced by A.
Protein change: p.Asp780Asn; replaces aspartic acid 780 with asparagine.
Molecular consequence: missense variant.
Genome position (GRCh38, 1-based): chr2:158,663,023, G>A. VCF-style: chr2-158663023-G-A. GRCh37 (hg19) VCF-style: chr2-159519535-G-A.
Other names: c.2338G>A, p.Asp780Asn (NM_001005476.4, NM_001304971.2, NM_001377218.1 and 1 more transcripts); c.2335G>A, p.Asp779Asn (NM_001304969.3, NM_001377219.1, NM_001377220.1 and 2 more transcripts); c.1309G>A, p.Asp437Asn (NM_001304970.3); c.2332G>A, p.Asp778Asn (NM_001377222.1, NM_001377223.1); c.2329G>A, p.Asp777Asn (NM_001377224.1); short protein forms D777N, D780N, D779N, D437N, D778N.
Identifiers: ClinVar variation 3307125 (VCV003307125.1).

ClinVar aggregate classification (germline): Uncertain significance (1 of 4 stars; one submission).

gnomAD v4.1: 4 of 1,613,932 alleles (0.00025%); highest among the groups gnomAD compares: African/African-American, 0.0053%; no homozygotes.

Submission:

Ambry Genetics
Classification: Uncertain significance. Last evaluated: 2024-04-26. Review status: criteria provided, single submitter. Criteria: Ambry Variant Classification Scheme 2023. Collection method: clinical testing. Allele origin: germline.
Comment: The p.D780N variant (also known as c.2338G>A), located in coding exon 13 of the PKP4 gene, results from a G to A substitution at nucleotide position 2338. The aspartic acid at codon 780 is replaced by asparagine, an amino acid with highly similar properties. This amino acid position is conserved. In addition, this alteration is predicted to be tolerated by in silico analysis. Based on the available evidence, the clinical significance of this variant remains unclear.